The following is an entry in ClinVar:

ClinVar aggregate classification (germline): Uncertain significance. Review status: criteria provided, multiple submitters, no conflicts (2 of 4 stars). 2 submissions from 2 submitters: Uncertain significance (2). Last evaluated 2024-12-28.

Conditions:
Cardiovascular phenotype. Identifiers: MedGen CN230736.
Dilated cardiomyopathy 1JJ (CMD1JJ). Identifiers: Orphanet 154, MedGen C3808935, MONDO:0014095, OMIM 615235.

Allele frequency attached by ClinVar (database versions not stated): gnomAD exomes 0.00001.
gnomAD v4.1: 5 of 1,613,050 alleles (0.00031%); highest among the groups gnomAD compares: Non-Finnish European, 0.00042%; no homozygotes.

Submissions (2):

Ambry Genetics
Classification: Uncertain significance for Cardiovascular phenotype. Last evaluated: 2024-12-28. Review status: criteria provided, single submitter. Criteria: Ambry Variant Classification Scheme 2023. Collection method: clinical testing. Allele origin: germline.
Comment: The p.Y173C variant (also known as c.518A>G), located in coding exon 5 of the LAMA4 gene, results from an A to G substitution at nucleotide position 518. The tyrosine at codon 173 is replaced by cysteine, an amino acid with highly dissimilar properties. This amino acid position is conserved. In addition, this alteration is predicted to be deleterious by in silico analysis. Based on the available evidence, the clinical significance of this variant remains unclear.

Labcorp Genetics (formerly Invitae), Labcorp
Classification: Uncertain significance for Dilated cardiomyopathy 1JJ. Last evaluated: 2022-09-07. Review status: criteria provided, single submitter. Criteria: Invitae Variant Classification Sherloc (09022015). Collection method: clinical testing. Allele origin: germline.
Comment: This sequence change replaces tyrosine, which is neutral and polar, with cysteine, which is neutral and slightly polar, at codon 173 of the LAMA4 protein (p.Tyr173Cys). This variant is not present in population databases (gnomAD no frequency). This variant has not been reported in the literature in individuals affected with LAMA4-related conditions. ClinVar contains an entry for this variant (Variation ID: 1022612). Algorithms developed to predict the effect of missense changes on protein structure and function are either unavailable or do not agree on the potential impact of this missense change (SIFT: "Deleterious"; PolyPhen-2: "Probably Damaging"; Align-GVGD: "Class C0"). In summary, the available evidence is currently insufficient to determine the role of this variant in disease. Therefore, it has been classified as a Variant of Uncertain Significance.

NM_001105206.3(LAMA4):c.518A>G (p.Tyr173Cys)

Gene: LAMA4 (laminin subunit alpha 4; minus strand). Cytogenetic location: 6q21.
Variant type: single nucleotide variant.
Coding change: c.518A>G on transcript NM_001105206.3 (MANE Select); coding-DNA position 518, A replaced by G.
Protein change: p.Tyr173Cys; replaces tyrosine 173 with cysteine.
Molecular consequence: missense variant.
Genome position (GRCh38, 1-based): chr6:112,191,836, T>C on the plus strand (A>G on the coding strand, the complement: LAMA4 is on the minus strand). VCF-style: chr6-112191836-T-C. GRCh37 (hg19) VCF-style: chr6-112513038-T-C.
Other names: c.518A>G, p.Tyr173Cys (NM_001105207.3, NM_002290.5); c.518A>G (NM_002290.3); short protein forms Y173C.
Identifiers: ClinVar variation 1022612 (VCV001022612.9), dbSNP rs1783139217, ClinGen allele CA365378494.